The following is an entry in ClinVar:

NM_032242.4(PLXNA1):c.2164G>A (p.Val722Ile)

Gene: PLXNA1 (plexin A1; plus strand). Cytogenetic location: 3q21.3.
Variant type: single nucleotide variant.
Coding change: c.2164G>A on transcript NM_032242.4 (MANE Select); coding-DNA position 2164, G replaced by A.
Protein change: p.Val722Ile; replaces valine 722 with isoleucine.
Molecular consequence: missense variant.
Genome position (GRCh38, 1-based): chr3:127,012,009, G>A. VCF-style: chr3-127012009-G-A. GRCh37 (hg19) VCF-style: chr3-126730852-G-A.
Other names: short protein forms V722I.
Identifiers: ClinVar variation 1703115 (VCV001703115.4), dbSNP rs2079098150, ClinGen allele CA354383946.

ClinVar aggregate classification (germline): Uncertain significance. Review status: criteria provided, multiple submitters, no conflicts (2 of 4 stars). 2 submissions from 2 submitters: Uncertain significance (2). Last evaluated 2025-02-27.

Conditions:
PLXNA1-related disorder. Also called: PLXNA1-related condition.

Allele frequency attached by ClinVar (database versions not stated): gnomAD exomes below 0.00001; TOPMed 0.00001.
gnomAD v4.1: 3 of 1,613,718 alleles (0.00019%); highest among the groups gnomAD compares: Non-Finnish European, 0.00025%; no homozygotes.

Submissions (2):

PreventionGenetics, part of Exact Sciences
Classification: Uncertain significance for PLXNA1-related condition. Last evaluated: 2025-02-27. Review status: criteria provided, single submitter. Criteria: ACMG Guidelines, 2015. Collection method: clinical testing. Allele origin: germline.
Comment: The PLXNA1 c.2164G>A variant is predicted to result in the amino acid substitution p.Val722Ile. To our knowledge, this variant has not been reported in the literature or in a large population database, indicating this variant is rare. At this time, the clinical significance of this variant is uncertain due to the absence of conclusive functional and genetic evidence.

Greenwood Genetic Center Diagnostic Laboratories, Greenwood Genetic Center
Classification: Uncertain significance. Last evaluated: 2022-06-15. Review status: criteria provided, single submitter. Criteria: ACMG Guidelines, 2015. Collection method: clinical testing. Allele origin: germline. Affected: yes.
Comment: Gene of Uncertain Significance